The following is an entry in ClinVar:

NM_000051.4(ATM):c.549_550del (p.His183fs)

Gene: ATM (ATM serine/threonine kinase; plus strand). Cytogenetic location: 11q22.3.
Variant type: Deletion.
Coding change: c.549_550del on transcript NM_000051.4 (MANE Select); coding-DNA positions 549 to 550, 2 bases deleted (TA; older notation c.549_550delTA).
Protein change: p.His183fs; shifts the reading frame from histidine 183.
Molecular consequence: frameshift variant.
Genome position (GRCh38, 1-based): chr11:108,244,005-108,244,006, TA deleted; deleting any 2 consecutive bases within chr11:108,244,004-108,244,006 gives the same sequence; the c. name uses the placement nearest the transcript's 3' end. VCF-style (leftmost placement, unchanged base first): chr11-108244003-CAT-C. GRCh37 (hg19) VCF-style: chr11-108114730-CAT-C.
Other names: c.549_550delTA (NM_000051.3); c.549_550del, p.His183fs (NM_001351834.2); short protein forms H183fs.
Identifiers: ClinVar variation 181868 (VCV000181868.20), dbSNP rs730881297, ClinGen allele CA298011.

ClinVar aggregate classification (germline): Pathogenic/Likely pathogenic. Review status: criteria provided, multiple submitters, no conflicts (2 of 4 stars). 7 submissions from 7 submitters: Pathogenic (5); Likely pathogenic (1). 1 of the submissions does not count toward it. Last evaluated 2025-03-04.

Conditions:
ATM-related disorder. Also called: ATM-related disorders; ATM-related condition.
Hereditary cancer-predisposing syndrome. Also called: Tumor predisposition; Hereditary Cancer Syndrome; Hereditary neoplastic syndrome; Neoplastic Syndromes, Hereditary. Identifiers: Orphanet 140162, MedGen C0027672, MeSH D009386, MONDO:0015356.
Familial cancer of breast. Also called: BREAST CANCER, FAMILIAL; hereditary breast carcinoma; Hereditary breast cancer. Identifiers: Orphanet 227535, MedGen C0346153, MONDO:0016419, OMIM 114480. Disease mechanism: loss of function.
Ataxia-telangiectasia syndrome (AT). Also called: LOUIS-BAR SYNDROME; Cerebello-oculocutaneous telangiectasia; Immunodeficiency with ataxia telangiectasia; ATAXIA-TELANGIECTASIA, COMPLEMENTATION GROUP A; ATAXIA-TELANGIECTASIA, FRESNO VARIANT; Ataxia-telangiectasia. Identifiers: Orphanet 100, MedGen C0004135, MONDO:0008840, OMIM 208900.

Submissions (7):

Color Diagnostics, LLC DBA Color Health
Classification: Pathogenic for Hereditary cancer-predisposing syndrome. Last evaluated: 2025-03-04. Review status: criteria provided, single submitter. Criteria: ACMG Guidelines, 2015. Collection method: clinical testing. Allele origin: germline.
Comment: This variant deletes 2 nucleotides in exon 6/63 of the ATM gene, creating a frameshift and premature translation stop signal. This variant is expected to result in an absent or non-functional protein product. This variant has been reported in an individual affected with colon cancer (PMID: 26681312). This variant has not been identified in the general population by the Genome Aggregation Database (gnomAD). Loss of ATM function is a known mechanism of disease. Based on the available evidence, this variant is classified as Pathogenic.

Labcorp Genetics (formerly Invitae), Labcorp
Classification: Pathogenic for Ataxia-telangiectasia syndrome. Last evaluated: 2025-02-13. Review status: criteria provided, single submitter. Criteria: Invitae Variant Classification Sherloc (09022015). Collection method: clinical testing. Allele origin: germline.
Comment: This sequence change creates a premature translational stop signal (p.His183Glnfs*6) in the ATM gene. It is expected to result in an absent or disrupted protein product. Loss-of-function variants in ATM are known to be pathogenic (PMID: 23807571, 25614872). This variant is not present in population databases (gnomAD no frequency). This premature translational stop signal has been observed in individual(s) with colon cancer (PMID: 26681312). ClinVar contains an entry for this variant (Variation ID: 181868). For these reasons, this variant has been classified as Pathogenic.

Myriad Genetics, Inc.
Classification: Pathogenic for Familial cancer of breast. Last evaluated: 2024-01-09. Review status: criteria provided, single submitter. Criteria: Myriad Autosomal Dominant, Autosomal Recessive and X-Linked Classification Criteria (2023). Collection method: clinical testing. Allele origin: unknown.
Comment: This variant is considered pathogenic. This variant creates a frameshift predicted to result in premature protein truncation.

Ambry Genetics
Classification: Pathogenic for Hereditary cancer-predisposing syndrome. Last evaluated: 2022-03-15. Review status: criteria provided, single submitter. Criteria: Ambry Variant Classification Scheme 2023. Collection method: clinical testing. Allele origin: germline.
Comment: The c.549_550delTA pathogenic mutation, located in coding exon 5 of the ATM gene, results from a deletion of two nucleotides at nucleotide positions 549 to 550, causing a translational frameshift with a predicted alternate stop codon (p.H183QFS*6). This alteration was identified in 1/10030 patients referred for hereditary cancer panel testing (Susswein LR et al. Genet. Med., 2016 Aug;18:823-32). This alteration is expected to result in loss of function by premature protein truncation or nonsense-mediated mRNA decay. As such, this alteration is interpreted as a disease-causing mutation.

Baylor Genetics
Classification: Likely pathogenic for Familial cancer of breast. Last evaluated: 2021-05-25. Review status: criteria provided, single submitter. Criteria: ACMG Guidelines, 2015. Collection method: clinical testing. Allele origin: unknown.

GeneDx
Classification: Pathogenic. Last evaluated: 2014-08-27. Review status: criteria provided, single submitter. Criteria: GeneDx Variant Classification (06012015). Collection method: clinical testing. Allele origin: germline. Affected: yes.
Comment: This deletion of 2 nucleotides in ATM is denoted c.549_550delTA at the cDNA level and p.His183GlnfsX6 (H183QfsX6) at the protein level. The normal sequence, with the bases that are deleted in brackets, is TTCA[TA]GAGT. The deletion causes a frameshift, which changes a Histidine to a Glutamine at codon 183, and creates a premature stop codon at position 6 of the new reading frame. Although this variant has not, to our knowledge, been reported in the literature, it is predicted to cause loss of normal protein function through either protein truncation or nonsense-mediated mRNA decay. we consider this variant to be pathogenic.The presence of

PreventionGenetics, part of Exact Sciences
Classification: Pathogenic for ATM-related condition. Last evaluated: 2024-03-14. Review status: no assertion criteria provided. Collection method: clinical testing. Allele origin: germline. Not counted in ClinVar's aggregate classification.
Comment: The ATM c.549_550delTA variant is predicted to result in a frameshift and premature protein termination (p.His183Glnfs*6). This variant has been reported in an individual with colon cancer (Table S1. Susswein et al 2016. PubMed ID: 26681312). This variant has not been reported in a large population database, indicating this variant is rare. This variant is interpreted as pathogenic or likely pathogenic in ClinVar. Frameshift variants in ATM are expected to be pathogenic. In summary, this variant is interpreted as pathogenic.

Literature cited by the submitters: PubMed 26681312 (cited by 3 submitters); PubMed 23807571 (cited by Labcorp Genetics (formerly Invitae), Labcorp); PubMed 25614872 (cited by Labcorp Genetics (formerly Invitae), Labcorp).